The following is an entry in ClinVar:

ClinVar aggregate classification (germline): Uncertain significance. Review status: criteria provided, multiple submitters, no conflicts (2 of 4 stars). 5 submissions from 5 submitters: Uncertain significance (4). 1 of the submissions does not count toward it. Last evaluated 2021-11-27.

Conditions:
Bifunctional peroxisomal enzyme deficiency (DBIF). Also called: DBP DEFICIENCY; D-bifunctional protein deficiency; PBFE DEFICIENCY. Identifiers: Orphanet 300, MedGen C0342870, MONDO:0009855, OMIM 261515. Disease mechanism: loss of function.
Perrault syndrome 1 (PRLTS1). Also called: GONADAL DYSGENESIS, XX TYPE, WITH DEAFNESS; OVARIAN DYSGENESIS WITH SENSORINEURAL DEAFNESS. Identifiers: Orphanet 2855, Orphanet 642945, MedGen C4551721, MONDO:0009300, OMIM 233400.
Perrault syndrome. Also called: Gonadal dysgenesis with auditory dysfunction, autosomal recessive inheritance. Identifiers: Orphanet 2855, MedGen C0685838, MONDO:0017312.

Allele frequency attached by ClinVar (database versions not stated): gnomAD 0.00001 and 0.00002; TOPMed 0.00003; gnomAD exomes 0.00001 and below 0.00001; ExAC 0.00001.
gnomAD v4.1: 8 of 1,613,286 alleles (0.0005%); highest among the groups gnomAD compares: East Asian, 0.0022%; no homozygotes.

Submissions (6):

Labcorp Genetics (formerly Invitae), Labcorp
Classification: Uncertain significance for Perrault syndrome; Bifunctional peroxisomal enzyme deficiency. Last evaluated: 2021-11-27. Review status: criteria provided, single submitter. Criteria: Invitae Variant Classification Sherloc (09022015). Collection method: clinical testing. Allele origin: germline.
Comment: This sequence change replaces glycine, which is neutral and non-polar, with arginine, which is basic and polar, at codon 620 of the HSD17B4 protein (p.Gly620Arg). The frequency data for this variant in the population databases is considered unreliable, as metrics indicate poor data quality at this position in the gnomAD database. This variant has not been reported in the literature in individuals affected with HSD17B4-related conditions. ClinVar contains an entry for this variant (Variation ID: 505307). Advanced modeling of protein sequence and biophysical properties (such as structural, functional, and spatial information, amino acid conservation, physicochemical variation, residue mobility, and thermodynamic stability) performed at Invitae indicates that this missense variant is not expected to disrupt HSD17B4 protein function. Algorithms developed to predict the effect of sequence changes on RNA splicing suggest that this variant may create or strengthen a splice site. In summary, the available evidence is currently insufficient to determine the role of this variant in disease. Therefore, it has been classified as a Variant of Uncertain Significance.

Fulgent Genetics
Classification: Uncertain significance for Perrault syndrome 1; Bifunctional peroxisomal enzyme deficiency. Last evaluated: 2021-07-15. Review status: criteria provided, single submitter. Criteria: ACMG Guidelines, 2015. Collection method: clinical testing. Allele origin: unknown.

Eurofins Ntd Llc (ga)
Classification: Uncertain significance. Last evaluated: 2017-10-03. Review status: criteria provided, single submitter. Criteria: EGL Classification Definitions 2015. Collection method: clinical testing. Allele origin: germline. Observed: 1 variant allele, 1 heterozygote.

Laboratory for Molecular Medicine, Mass General Brigham Personalized Medicine
Classification: Uncertain significance. Last evaluated: 2016-09-10. Review status: criteria provided, single submitter. Criteria: LMM Criteria. Collection method: clinical testing. Allele origin: germline. Observed: 1 variant allele.
Comment: Variant classified as Uncertain Significance - Favor Benign. The p.Gly645Arg var iant in HSD17B4 has not been previously reported in individuals with hearing los s, but has been identified in 1/11454 Latino chromosomes by the Exome Aggregatio n Consortium (ExAC; dbSNP rs778265488). Although this variant has been seen in the general population, its frequency is not high enough to rule out a pathogenic role. Glycine (Gly) at position 645 is not cons erved in mammals or evolutionarily distant species and 2 mammals (killer whale a nd dolphin) carry a arginine (Arg), supporting that this change may be tolerated . Additional computational prediction tools suggest that the p.Gly645Arg varian t may not impact the protein, though this information is not predictive enough t o rule out pathogenicity. In summary, while the clinical significance of the p.G ly645Arg variant is uncertain, these data suggest that it is more likely to be b enign.

Natera, Inc.
Classification: Uncertain significance for Bifunctional peroxisomal enzyme deficiency. Last evaluated: 2020-07-10. Review status: no assertion criteria provided. Collection method: clinical testing. Allele origin: germline. Not counted in ClinVar's aggregate classification.

Dr. Peter K. Rogan Lab, Western University
No classification provided (evidence only). Condition: Thyroid cancer, nonmedullary, 1. Review status: no classification provided. Collection method: in vitro. Allele origin: not applicable. Functional consequence: cryptic splice site, skipped exon, retained intron. Not counted in ClinVar's aggregate classification.

NM_000414.4(HSD17B4):c.1858G>A (p.Gly620Arg)

Gene: HSD17B4 (hydroxysteroid 17-beta dehydrogenase 4; plus strand). Cytogenetic location: 5q23.1.
Variant type: single nucleotide variant.
Coding change: c.1858G>A on transcript NM_000414.4 (MANE Select); coding-DNA position 1858, G replaced by A.
Protein change: p.Gly620Arg; replaces glycine 620 with arginine.
Molecular consequence: missense variant.
Genome position (GRCh38, 1-based): chr5:119,531,269, G>A. VCF-style: chr5-119531269-G-A. GRCh37 (hg19) VCF-style: chr5-118866964-G-A.
Other names: c.1858G>A (NM_000414.3); c.1933G>A, p.Gly645Arg (NM_001199291.3); c.1804G>A, p.Gly602Arg (NM_001199292.2); c.1786G>A, p.Gly596Arg (NM_001292027.2); c.1438G>A, p.Gly480Arg (NM_001292028.2); short protein forms G620R, G645R, G480R, G596R, G602R.
Identifiers: ClinVar variation 505307 (VCV000505307.12), dbSNP rs778265488, ClinGen allele CA3382446.
Genomic context (GRCh38, chr5:119,531,269, plus strand): 5'-TTTCTCCATGAGTTATTTTTACAGAACTTTTAAAGTTTATTTTGTTGTCGTTGTTAGGGC[G>A]GGAAGCTTCAGAGTACCTTTGTATTTGAGGAAATAGGACGCCGCCTAAAGGATATTGGGC-3'
Protein context (NP_000405.1, residues 610-630): GTSAKTPSEG[Gly620Arg]KLQSTFVFEE